The following is an entry in ClinVar:

NM_000059.4(BRCA2):c.3229G>C (p.Val1077Leu)

Gene: BRCA2 (BRCA2 DNA repair associated; plus strand). Cytogenetic location: 13q13.1.
Variant type: single nucleotide variant.
Coding change: c.3229G>C on transcript NM_000059.4 (MANE Select); coding-DNA position 3229, G replaced by C.
Protein change: p.Val1077Leu; replaces valine 1077 with leucine.
Molecular consequence: missense variant.
Genome position (GRCh38, 1-based): chr13:32,337,584, G>C. VCF-style: chr13-32337584-G-C. GRCh37 (hg19) VCF-style: chr13-32911721-G-C.
Other names: short protein forms V1077L.
Identifiers: ClinVar variation 1367849 (VCV001367849.9), dbSNP rs2137494548, ClinGen allele CA387775919.

ClinVar aggregate classification (germline): Conflicting classifications of pathogenicity. Review status: criteria provided, conflicting classifications (1 of 4 stars). 2 submissions from 2 submitters: Uncertain significance (1); Likely benign (1). Last evaluated 2023-03-23.

Conditions:
Hereditary cancer-predisposing syndrome. Also called: Neoplastic Syndromes, Hereditary; Tumor predisposition; Hereditary neoplastic syndrome; Hereditary Cancer Syndrome. Identifiers: Orphanet 140162, MedGen C0027672, MeSH D009386, MONDO:0015356.
Hereditary breast ovarian cancer syndrome. Also called: Hereditary breast and ovarian cancer; Hereditary breast and/or ovarian cancer syndrome; BRCA1- and BRCA2-Associated Hereditary Breast and Ovarian Cancer; Hereditary breast and ovarian cancer syndrome; Hereditary breast and ovarian cancer syndrome (HBOC); Breast and ovarian cancer. Identifiers: Orphanet 145, MedGen C0677776, MeSH D061325, MONDO:0003582. Disease mechanism: loss of function.

Submissions (2):

University of Washington Department of Laboratory Medicine, University of Washington
Classification: Likely benign for Hereditary cancer-predisposing syndrome. Last evaluated: 2023-03-23. Review status: criteria provided, single submitter. Criteria: Dines et al. (Genet Med. 2020). Collection method: curation. Allele origin: germline.
Comment: Missense variant in a coldspot region where missense variants are very unlikely to be pathogenic (PMID:31911673).

BRCA2 exon 11 coldspot. Reclassification based on statistical prior probability.

Labcorp Genetics (formerly Invitae), Labcorp
Classification: Uncertain significance for Hereditary breast ovarian cancer syndrome. Last evaluated: 2021-05-13. Review status: criteria provided, single submitter. Criteria: Invitae Variant Classification Sherloc (09022015). Collection method: clinical testing. Allele origin: germline.
Comment: This sequence change replaces valine with leucine at codon 1077 of the BRCA2 protein (p.Val1077Leu). The valine residue is weakly conserved and there is a small physicochemical difference between valine and leucine. This variant is not present in population databases (ExAC no frequency). This variant has not been reported in the literature in individuals with BRCA2-related conditions. Advanced modeling of protein sequence and biophysical properties (such as structural, functional, and spatial information, amino acid conservation, physicochemical variation, residue mobility, and thermodynamic stability) performed at Invitae indicates that this missense variant is not expected to disrupt BRCA2 protein function. In summary, the available evidence is currently insufficient to determine the role of this variant in disease. Therefore, it has been classified as a Variant of Uncertain Significance.